The following is an entry in ClinVar:

NM_000080.4(CHRNE):c.53G>T (p.Gly18Val)

Genes: C17orf107 (chromosome 17 open reading frame 107; plus strand), CHRNE (cholinergic receptor nicotinic epsilon subunit; minus strand). Cytogenetic location: 17p13.2.
Variant type: single nucleotide variant.
Coding change: c.53G>T on transcript NM_000080.4 (MANE Select); coding-DNA position 53, G replaced by T.
Protein change: p.Gly18Val; replaces glycine 18 with valine.
Molecular consequence: missense variant. On other transcripts: 3 prime UTR variant (1).
Genome position (GRCh38, 1-based): chr17:4,902,757, C>A on the plus strand (G>T on the coding strand, the complement: CHRNE is on the minus strand). VCF-style: chr17-4902757-C-A. GRCh37 (hg19) VCF-style: chr17-4806052-C-A.
Other names: c.*2224C>A (NM_001145536.2); short protein forms G18V.
Identifiers: ClinVar variation 128768 (VCV000128768.29), dbSNP rs4790235, ClinGen allele CA152418.

ClinVar aggregate classification (germline): Benign. Review status: criteria provided, multiple submitters, no conflicts (2 of 4 stars). 11 submissions from 11 submitters: Benign (8). 3 of the submissions do not count toward it. Last evaluated 2026-02-04.

Conditions:
Congenital myasthenic syndrome (CMS). Also called: Congenital Myasthenic Syndromes. Identifiers: Orphanet 590, MedGen C0751882, MeSH D020294, MONDO:0018940.
Congenital myasthenic syndrome 4A. Also called: MYASTHENIC SYNDROME, CONGENITAL, 4A, SLOW-CHANNEL, AUTOSOMAL RECESSIVE; Myasthenic syndrome, congenital, 4a, slow-channel; CONGENITAL MYASTHENIC SYNDROME TYPE Ia1. Identifiers: Orphanet 590, MedGen C4225413, MONDO:0011600, OMIM 605809.

Allele frequency attached by ClinVar (database versions not stated): ESP Exome Variant Server 0.01753; gnomAD 0.02635; 1000 Genomes Project 0.02835; 1000 Genomes Project 30x 0.03107; TOPMed 0.03215.
gnomAD v4.1: 50,630 of 1,614,008 alleles (3.1%); highest among the groups gnomAD compares: Admixed American, 20%; 2,014 homozygotes.

Submissions (11):

Labcorp Genetics (formerly Invitae), Labcorp
Classification: Benign for Congenital myasthenic syndrome 4A. Last evaluated: 2026-02-04. Review status: criteria provided, single submitter. Criteria: Invitae Variant Classification Sherloc (09022015). Collection method: clinical testing. Allele origin: germline.

Laboratory for Molecular Medicine, Mass General Brigham Personalized Medicine
Classification: Benign. Last evaluated: 2018-04-19. Review status: criteria provided, single submitter. Criteria: LMM Criteria. Collection method: clinical testing. Allele origin: germline. Observed: 1 variant allele.
Comment: p.Gly18Val in exon 2 of CHRNE: This variant is classified as benign because it h as been identified in 23% (7902/34416) of Latino chromosomes, including 1073 hom ozygous individuals, by the Genome Aggregation Database (gnomAD; dbSNP rs4790235).

Illumina Laboratory Services, Illumina
Classification: Benign for Congenital myasthenic syndrome. Last evaluated: 2018-01-13. Review status: criteria provided, single submitter. Criteria: ICSL Variant Classification Criteria 13 December 2019. Collection method: clinical testing. Allele origin: germline.
Comment: This variant was observed in the ICSL laboratory as part of a predisposition screen in an ostensibly healthy population. It had not been previously curated by ICSL or reported in the Human Gene Mutation Database (HGMD: prior to June 1st, 2018), and was therefore a candidate for classification through an automated scoring system. Utilizing variant allele frequency, disease prevalence and penetrance estimates, and inheritance mode, an automated score was calculated to assess if this variant is too frequent to cause the disease. Based on the score and internal cut-off values, a variant classified as benign is not then subjected to further curation. The score for this variant resulted in a classification of benign for this disease.

Mayo Clinic Laboratories, Mayo Clinic
Classification: Benign. Last evaluated: 2017-11-30. Review status: criteria provided, single submitter. Criteria: ACMG Guidelines, 2015. Collection method: clinical testing. Allele origin: germline. Observed: 32 variant alleles.

GeneDx
Classification: Benign. Last evaluated: 2016-07-08. Review status: criteria provided, single submitter. Criteria: GeneDx Variant Classification (06012015). Collection method: clinical testing. Allele origin: germline. Affected: yes.
Comment: This variant is considered likely benign or benign based on one or more of the following criteria: it is a conservative change, it occurs at a poorly conserved position in the protein, it is predicted to be benign by multiple in silico algorithms, and/or has population frequency not consistent with disease.

Genetic Services Laboratory, University of Chicago
Classification: Benign for AllHighlyPenetrant. Last evaluated: 2013-08-15. Review status: criteria provided, single submitter. Criteria: ACMG Guidelines, 2007. Collection method: clinical testing. Allele origin: germline.

Breakthrough Genomics
Classification: Benign. Review status: criteria provided, single submitter. Criteria: ACMG Guidelines, 2015. Collection method: not provided. Allele origin: germline. Inheritance: Autosomal recessive inheritance. Affected: yes.

PreventionGenetics, part of Exact Sciences
Classification: Benign. Review status: criteria provided, single submitter. Criteria: ACMG Guidelines, 2015. Collection method: clinical testing. Allele origin: germline.

Natera, Inc.
Classification: Benign for Congenital myasthenic syndrome. Last evaluated: 2020-09-16. Review status: no assertion criteria provided. Collection method: clinical testing. Allele origin: germline. Not counted in ClinVar's aggregate classification.

Joint Genome Diagnostic Labs from Nijmegen and Maastricht, Radboudumc and MUMC+
Classification: Benign. Review status: no assertion criteria provided. Collection method: clinical testing. Allele origin: germline. Affected: yes. Study: VKGL Data-share Consensus. Not counted in ClinVar's aggregate classification.

Laboratory of Diagnostic Genome Analysis, Leiden University Medical Center (LUMC)
Classification: Likely benign. Review status: no assertion criteria provided. Collection method: clinical testing. Allele origin: germline. Affected: yes. Study: VKGL Data-share Consensus. Not counted in ClinVar's aggregate classification.